The following is an entry in ClinVar:

NM_007294.4(BRCA1):c.5153-18T>G

Gene: BRCA1 (BRCA1 DNA repair associated; minus strand). Cytogenetic location: 17q21.31.
Variant type: single nucleotide variant.
Coding change: c.5153-18T>G on transcript NM_007294.4 (MANE Select); 18 bases into the intron before coding-DNA position 5153, T replaced by G.
Molecular consequence: intron variant.
Genome position (GRCh38, 1-based): chr17:43,063,391, A>C on the plus strand (T>G on the coding strand, the complement: BRCA1 is on the minus strand). VCF-style: chr17-43063391-A-C. GRCh37 (hg19) VCF-style: chr17-41215408-A-C.
Other names: c.1700-18T>G (NM_001408458.1, NM_001408461.1, NM_001408464.1 and 7 more transcripts); c.4262-18T>G (NM_001407967.1); c.4772-18T>G (NM_001407959.1); c.4886-18T>G (NM_001407931.1, NM_001407932.1, NM_001407928.1 and 4 more transcripts); c.5009-18T>G (NM_001407747.1, NM_001407745.1, NM_001407737.1 and 21 more transcripts); c.4769-18T>G (NM_001407962.1, NM_001407960.1); c.1340-18T>G (NM_001408512.1); c.1463-18T>G (NM_001408510.1); and 72 more.
Identifiers: ClinVar variation 867417 (VCV000867417.3), dbSNP rs2051876869, ClinGen allele CA916080081.

Conditions:
Breast-ovarian cancer, familial, susceptibility to, 1 (BROVCA1). Also called: BRCA1 Hereditary Breast and Ovarian Cancer; OVARIAN CANCER, SUSCEPTIBILITY TO. Identifiers: Orphanet 145, MedGen C2676676, MONDO:0011450, OMIM 604370. Disease mechanism: loss of function.

Submission:

Brotman Baty Institute, University of Washington
No classification provided (evidence only). Condition: Breast-ovarian cancer, familial 1. Review status: no classification provided. Collection method: in vitro. Allele origin: not applicable. Functional consequence: functionally_normal.
ClinVar note: "not provided" was previously submitted as the classification for the variant. However, the classification appeared to be based only on an observation of functional data so it was converted to no classification on 2025-07-30.